The following is an entry in ClinVar:

NM_031418.4(ANO3):c.1479_1481del (p.Arg494del)

Gene: ANO3 (anoctamin 3; plus strand). Cytogenetic location: 11p14.2.
Variant type: Deletion.
Coding change: c.1479_1481del on transcript NM_031418.4 (MANE Select); coding-DNA positions 1479 to 1481, 3 bases deleted (AAG; older notation c.1479_1481delAAG).
Protein change: p.Arg494del; deletes arginine 494.
Molecular consequence: inframe deletion.
Genome position (GRCh38, 1-based): chr11:26,598,396-26,598,398, AAG deleted; deleting any 3 consecutive bases within chr11:26,598,394-26,598,398 gives the same sequence; the c. name uses the placement nearest the transcript's 3' end. VCF-style (leftmost placement, unchanged base first): chr11-26598393-GAGA-G. GRCh37 (hg19) VCF-style: chr11-26619940-GAGA-G.
Other names: c.1662_1664del, p.Arg555del (NM_001313726.2); c.1041_1043del, p.Arg348del (NM_001313727.2); short protein forms R555del, R494del, R348del.
Identifiers: ClinVar variation 566078 (VCV000566078.7), dbSNP rs1565132933, ClinGen allele CA891842740.

ClinVar aggregate classification (germline): Uncertain significance (1 of 4 stars; one submission).

Conditions:
Dystonic disorder. Also called: Dystonia. Identifiers: MedGen C0013421, MONDO:0003441, HP:0001332.

Submission:

Labcorp Genetics (formerly Invitae), Labcorp
Classification: Uncertain significance for Dystonic disorder. Last evaluated: 2018-05-11. Review status: criteria provided, single submitter. Criteria: Invitae Variant Classification Sherloc (09022015). Collection method: clinical testing. Allele origin: germline.
Comment: This variant, c.1479_1481delAAG, results in the deletion of 1 amino acid of the ANO3 protein (p.Arg494del), but otherwise preserves the integrity of the reading frame. In summary, the available evidence is currently insufficient to determine the role of this variant in disease. Therefore, it has been classified as a Variant of Uncertain Significance. Experimental studies and prediction algorithms are not available for this variant, and the functional significance of the deleted amino acid is currently unknown. This variant has not been reported in the literature in individuals with ANO3-related disease. This variant is not present in population databases (ExAC no frequency).